The following is an entry in ClinVar:

NM_001349253.2(SCN11A):c.3814-2A>G

Gene: SCN11A (sodium voltage-gated channel alpha subunit 11; minus strand). Cytogenetic location: 3p22.2.
Variant type: single nucleotide variant.
Coding change: c.3814-2A>G on transcript NM_001349253.2 (MANE Select); the canonical splice acceptor site of the intron before coding-DNA position 3814, A replaced by G.
Molecular consequence: splice acceptor variant.
Genome position (GRCh38, 1-based): chr3:38,867,460, T>C on the plus strand (A>G on the coding strand, the complement: SCN11A is on the minus strand). VCF-style: chr3-38867460-T-C. GRCh37 (hg19) VCF-style: chr3-38908951-T-C.
Other names: c.3814-2A>G (NM_014139.3).
Identifiers: ClinVar variation 1361156 (VCV001361156.6), dbSNP rs778934870, ClinGen allele CA2321682.

ClinVar aggregate classification (germline): Uncertain significance (1 of 4 stars; one submission).

Conditions:
Hereditary sensory and autonomic neuropathy type 7. Also called: Neuropathy, hereditary sensory and autonomic, type VII; HSAN VII. Identifiers: Orphanet 391397, MedGen C3809882, MONDO:0014244, OMIM 615548.
Familial episodic pain syndrome with predominantly lower limb involvement. Also called: Episodic pain syndrome, familial, 3. Identifiers: Orphanet 391384, Orphanet 391392, MedGen C3809899, MONDO:0014247, OMIM 615552.

Allele frequency attached by ClinVar (database versions not stated): gnomAD exomes 0.00002 and 0.00003; TOPMed 0.00002; ExAC 0.00005.
gnomAD v4.1: 10 of 1,589,766 alleles (0.00063%); highest among the groups gnomAD compares: Admixed American, 0.015%; no homozygotes.

Submission:

Labcorp Genetics (formerly Invitae), Labcorp
Classification: Uncertain significance for Familial episodic pain syndrome with predominantly lower limb involvement; Hereditary sensory and autonomic neuropathy type 7. Last evaluated: 2024-01-11. Review status: criteria provided, single submitter. Criteria: Invitae Variant Classification Sherloc (09022015). Collection method: clinical testing. Allele origin: germline.
Comment: This sequence change affects an acceptor splice site in intron 22 of the SCN11A gene. It is expected to disrupt RNA splicing. Variants that disrupt the donor or acceptor splice site typically lead to a loss of protein function (PMID: 16199547), however the current clinical and genetic evidence is not sufficient to establish whether loss-of-function variants in SCN11A cause disease. This variant is present in population databases (rs778934870, gnomAD 0.02%). This variant has not been reported in the literature in individuals affected with SCN11A-related conditions. ClinVar contains an entry for this variant (Variation ID: 1361156). Algorithms developed to predict the effect of sequence changes on RNA splicing suggest that this variant may disrupt the consensus splice site. In summary, the available evidence is currently insufficient to determine the role of this variant in disease. Therefore, it has been classified as a Variant of Uncertain Significance.

Literature cited by the submitters: PubMed 16199547.